The following is an entry in ClinVar:

ClinVar aggregate classification (germline): Uncertain significance (1 of 4 stars; one submission).

Conditions:
Hereditary pheochromocytoma and paraganglioma. Also called: Hereditary paragangliomas and pheochromocytomas; Hereditary Paraganglioma-Pheochromocytoma Syndromes; Hereditary pheochromocytoma-paraganglioma. Identifiers: Orphanet 29072, MedGen C4274332, MONDO:0017366.

Submission:

Labcorp Genetics (formerly Invitae), Labcorp
Classification: Uncertain significance for Hereditary pheochromocytoma and paraganglioma. Last evaluated: 2024-03-15. Review status: criteria provided, single submitter. Criteria: Invitae Variant Classification Sherloc (09022015). Collection method: clinical testing. Allele origin: germline.
Comment: This sequence change replaces proline, which is neutral and non-polar, with alanine, which is neutral and non-polar, at codon 4 of the TMEM127 protein (p.Pro4Ala). This variant is not present in population databases (gnomAD no frequency). This variant has not been reported in the literature in individuals affected with TMEM127-related conditions. Experimental studies and prediction algorithms are not available or were not evaluated, and the functional significance of this variant is currently unknown. In summary, the available evidence is currently insufficient to determine the role of this variant in disease. Therefore, it has been classified as a Variant of Uncertain Significance.

NM_017849.4(TMEM127):c.10C>G (p.Pro4Ala)

Genes: TMEM127 (transmembrane protein 127; minus strand), LOC129934333 (ATAC-STARR-seq lymphoblastoid silent region 11759; plus strand). Cytogenetic location: 2q11.2.
Variant type: single nucleotide variant.
Coding change: c.10C>G on transcript NM_017849.4 (MANE Select); coding-DNA position 10, C replaced by G.
Protein change: p.Pro4Ala; replaces proline 4 with alanine.
Molecular consequence: missense variant. On other transcripts: intron variant (1).
Genome position (GRCh38, 1-based): chr2:96,265,372, G>C on the plus strand (C>G on the coding strand, the complement: TMEM127 is on the minus strand). VCF-style: chr2-96265372-G-C. GRCh37 (hg19) VCF-style: chr2-96931110-G-C.
Other names: c.10C>G, p.Pro4Ala (NM_001193304.3); c.-9+497C>G (NM_001407283.1); short protein forms P4A.
Identifiers: ClinVar variation 3646089 (VCV003646089.2).